The following is an entry in ClinVar:

ClinVar aggregate classification (germline): Likely benign. Review status: criteria provided, multiple submitters, no conflicts (2 of 4 stars). 2 submissions from 2 submitters: Likely benign (2). Last evaluated 2025-05-06.

Allele frequency attached by ClinVar (database versions not stated): gnomAD 0.00001; ExAC 0.00002; gnomAD exomes 0.00002; TOPMed 0.00002.
gnomAD v4.1: 31 of 1,589,666 alleles (0.002%); highest among the groups gnomAD compares: Middle Eastern, 0.017%; no homozygotes.

Submissions (2):

Labcorp Genetics (formerly Invitae), Labcorp
Classification: Likely benign. Last evaluated: 2025-05-06. Review status: criteria provided, single submitter. Criteria: Invitae Variant Classification Sherloc (09022015). Collection method: clinical testing. Allele origin: germline.

CeGaT Center for Human Genetics Tuebingen
Classification: Likely benign. Last evaluated: 2022-11-01. Review status: criteria provided, single submitter. Criteria: CeGaT Center For Human Genetics Tuebingen Variant Classification Criteria Version 2. Collection method: clinical testing. Allele origin: germline. Affected: yes. Observed: 1 variant allele.
Comment: GRHL2: BP4, BP7

NM_024915.4(GRHL2):c.1095G>A (p.Ala365=)

Gene: GRHL2 (grainyhead like transcription factor 2; plus strand). Cytogenetic location: 8q22.3.
Variant type: single nucleotide variant.
Coding change: c.1095G>A on transcript NM_024915.4 (MANE Select); coding-DNA position 1095, G replaced by A.
Protein change: p.Ala365=; no amino-acid change (alanine 365 retained).
Molecular consequence: synonymous variant.
Genome position (GRCh38, 1-based): chr8:101,599,148, G>A. VCF-style: chr8-101599148-G-A. GRCh37 (hg19) VCF-style: chr8-102611376-G-A.
Other names: c.1047G>A, p.Ala349= (NM_001330593.2).
Identifiers: ClinVar variation 1606600 (VCV001606600.36), dbSNP rs267601683, ClinGen allele CA4830476.